The following is an entry in ClinVar:

NM_015690.5(STK36):c.3008G>A (p.Gly1003Asp)

Gene: STK36 (serine/threonine kinase 36; plus strand). Cytogenetic location: 2q35.
Variant type: single nucleotide variant.
Coding change: c.3008G>A on transcript NM_015690.5 (MANE Select); coding-DNA position 3008, G replaced by A.
Protein change: p.Gly1003Asp; replaces glycine 1003 with aspartic acid.
Molecular consequence: missense variant.
Genome position (GRCh38, 1-based): chr2:218,697,952, G>A. VCF-style: chr2-218697952-G-A. GRCh37 (hg19) VCF-style: chr2-219562675-G-A.
Other names: c.2945G>A, p.Gly982Asp (NM_001243313.2); c.3008G>A, p.Gly1003Asp (NM_001369423.1); short protein forms G1003D, G982D.
Identifiers: ClinVar variation 403498 (VCV000403498.8), dbSNP rs1863704, ClinGen allele CA2111315.
Genomic context (GRCh38, chr2:218,697,952, plus strand): 5'-CTGTCTGCCAGCTCCTTTGCTTCCCCTTTGCGCTGGACATGGATGCTGACCTCCTTATAG[G>A]TGTCTTGGCCGACCTCAGGGACTCAGAAGTTGCAGCCCATCTGCTGCAGGTACTTGGGCA-3'
Protein context (NP_056505.2, residues 993-1013): ALDMDADLLI[Gly1003Asp]VLADLRDSEV

ClinVar aggregate classification (germline): Benign. Review status: criteria provided, multiple submitters, no conflicts (2 of 4 stars). 4 submissions from 4 submitters: Benign (4). Last evaluated 2024-11-26.

Allele frequency attached by ClinVar (database versions not stated): 1000 Genomes Project 30x 0.18785; 1000 Genomes Project 0.18970; TOPMed 0.26576; gnomAD 0.27750 and 0.27830; ESP Exome Variant Server 0.27833; ExAC 0.31456; gnomAD exomes 0.31928 and 0.36357.
gnomAD v4.1: 571,970 of 1,613,918 alleles (35%); highest among the groups gnomAD compares: Non-Finnish European, 39%; 108,220 homozygotes.

Submissions (4):

Blueprint Genetics
Classification: Benign. Last evaluated: 2024-11-26. Review status: criteria provided, single submitter. Criteria: ACMG Guidelines, 2015. Collection method: clinical testing. Allele origin: germline.

GeneDx
Classification: Benign. Last evaluated: 2020-02-06. Review status: criteria provided, single submitter. Criteria: GeneDx Variant Classification Process June 2021. Collection method: clinical testing. Allele origin: germline. Affected: yes.

Laboratory for Molecular Medicine, Mass General Brigham Personalized Medicine
Classification: Benign. Last evaluated: 2016-03-29. Review status: criteria provided, single submitter. Criteria: LMM Criteria. Collection method: clinical testing. Allele origin: germline.
Comment: Variant identified in a genome or exome case(s) and assessed due to predicted null impact of the variant or pathogenic assertions in the literature or databases. Disclaimer: This variant has not undergone full assessment. The following are preliminary notes: Frequency

Breakthrough Genomics
Classification: Benign. Review status: criteria provided, single submitter. Criteria: ACMG Guidelines, 2015. Collection method: not provided. Allele origin: germline. Inheritance: Autosomal recessive inheritance. Affected: yes.